The following is an entry in ClinVar:

ClinVar aggregate classification (germline): Uncertain significance (1 of 4 stars; one submission).

Conditions:
Inborn genetic diseases. Identifiers: MedGen C0950123, MeSH D030342.

Submission:

Ambry Genetics
Classification: Uncertain significance for Inborn genetic diseases. Last evaluated: 2025-09-01. Review status: criteria provided, single submitter. Criteria: Ambry Variant Classification Scheme 2023. Collection method: clinical testing. Allele origin: germline.
Comment: The p.Q1178E variant (also known as c.3532C>G), located in coding exon 33 of the RTEL1 gene, results from a C to G substitution at nucleotide position 3532. The glutamine at codon 1178 is replaced by glutamic acid, an amino acid with highly similar properties. This amino acid position is conserved. In addition, the in silico prediction for this alteration is inconclusive. Based on the available evidence, the clinical significance of this variant remains unclear.

NM_001283009.2(RTEL1):c.3532C>G (p.Gln1178Glu)

Genes: RTEL1 (regulator of telomere elongation helicase 1; plus strand), RTEL1-TNFRSF6B (RTEL1-TNFRSF6B readthrough (NMD candidate); plus strand). Cytogenetic location: 20q13.33.
Variant type: single nucleotide variant.
Coding change: c.3532C>G on transcript NM_001283009.2 (MANE Select); coding-DNA position 3532, C replaced by G.
Protein change: p.Gln1178Glu; replaces glutamine 1178 with glutamic acid.
Molecular consequence: missense variant. On other transcripts: non-coding transcript variant (1).
Genome position (GRCh38, 1-based): chr20:63,695,360, C>G. VCF-style: chr20-63695360-C-G. GRCh37 (hg19) VCF-style: chr20-62326713-C-G.
Other names: c.2863C>G, p.Gln955Glu (NM_001283010.1); c.3532C>G, p.Gln1178Glu (NM_016434.4); c.3604C>G, p.Gln1202Glu (NM_032957.5); short protein forms Q955E, Q1178E, Q1202E.
Identifiers: ClinVar variation 4157721 (VCV004157721.1).